The following is an entry in ClinVar:

ClinVar aggregate classification (germline): Likely benign (1 of 4 stars; one submission).

Allele frequency attached by ClinVar (database versions not stated): TOPMed 0.00064; gnomAD 0.00076; ESP Exome Variant Server 0.00095; 1000 Genomes Project 30x 0.00109; gnomAD exomes 0.00113; 1000 Genomes Project 0.00120; ExAC 0.00216.
gnomAD v4.1: 1,702 of 1,587,882 alleles (0.11%); highest among the groups gnomAD compares: East Asian, 0.58%; 3 homozygotes.

Submission:

CeGaT Center for Human Genetics Tuebingen
Classification: Likely benign. Last evaluated: 2022-06-01. Review status: criteria provided, single submitter. Criteria: CeGaT Center For Human Genetics Tuebingen Variant Classification Criteria Version 2. Collection method: clinical testing. Allele origin: germline. Affected: yes. Observed: 1 variant allele.
Comment: CAPN15: BP4, BP7

NM_005632.3(CAPN15):c.1668C>T (p.Ser556=)

Gene: CAPN15 (calpain 15; plus strand). Cytogenetic location: 16p13.3.
Variant type: single nucleotide variant.
Coding change: c.1668C>T on transcript NM_005632.3 (MANE Select); coding-DNA position 1668, C replaced by T.
Protein change: p.Ser556=; no amino-acid change (serine 556 retained).
Molecular consequence: synonymous variant.
Genome position (GRCh38, 1-based): chr16:549,297, C>T. VCF-style: chr16-549297-C-T. GRCh37 (hg19) VCF-style: chr16-599297-C-T.
Identifiers: ClinVar variation 2645805 (VCV002645805.24), dbSNP rs147318382, ClinGen allele CA7778432.